The following is an entry in ClinVar:

ClinVar aggregate classification (germline): Conflicting classifications of pathogenicity. Review status: criteria provided, conflicting classifications (1 of 4 stars). 2 submissions from 2 submitters: Pathogenic (1); Uncertain significance (1). Last evaluated 2023-07-29.

Conditions:
Severe early-onset obesity-insulin resistance syndrome due to SH2B1 deficiency. Identifiers: Orphanet 329249, MedGen C5190989, MONDO:0017994.

Submissions (2):

Labcorp Genetics (formerly Invitae), Labcorp
Classification: Uncertain significance. Last evaluated: 2023-07-29. Review status: criteria provided, single submitter. Criteria: Invitae Variant Classification Sherloc (09022015). Collection method: clinical testing. Allele origin: germline.
Comment: In summary, the available evidence is currently insufficient to determine the role of this variant in disease. Therefore, it has been classified as a Variant of Uncertain Significance. ClinVar contains an entry for this variant (Variation ID: 1527882). This variant has not been reported in the literature in individuals affected with SH2B1-related conditions. This variant is not present in population databases (gnomAD no frequency). This sequence change creates a premature translational stop signal (p.Arg318*) in the SH2B1 gene. It is expected to result in an absent or disrupted protein product. However, the current clinical and genetic evidence is not sufficient to establish whether loss-of-function variants in SH2B1 cause disease.

MVZ Martinsried, Medicover Genetics
Classification: Pathogenic for Severe early-onset obesity-insulin resistance syndrome due to SH2B1 deficiency. Last evaluated: 2022-02-24. Review status: criteria provided, single submitter. Criteria: ACGS Guidelines, 2020. Collection method: clinical testing. Allele origin: maternal. Affected: yes.

NM_001387430.1(SH2B1):c.952C>T (p.Arg318Ter)

Gene: SH2B1 (SH2B adaptor protein 1; plus strand). Cytogenetic location: 16p11.2.
Variant type: single nucleotide variant.
Coding change: c.952C>T on transcript NM_001387430.1 (MANE Select); coding-DNA position 952, C replaced by T.
Protein change: p.Arg318Ter; replaces arginine 318 with a stop codon.
Molecular consequence: nonsense. On other transcripts: intron variant (1).
Genome position (GRCh38, 1-based): chr16:28,867,343, C>T. VCF-style: chr16-28867343-C-T. GRCh37 (hg19) VCF-style: chr16-28878664-C-T.
Other names: c.952C>T, p.Arg318Ter (NM_001145795.2, NM_001145796.2, NM_001145797.2 and 4 more transcripts); c.-26-31C>T (NM_001308294.2); short protein forms R318*.
Identifiers: ClinVar variation 1527882 (VCV001527882.4), dbSNP rs2152178267, ClinGen allele CA395425336.